The following is an entry in ClinVar:

ClinVar aggregate classification (germline): Uncertain significance (1 of 4 stars; one submission).

Conditions:
Retinoblastoma (RB1). Also called: RETINOBLASTOMA, SOMATIC. Identifiers: Orphanet 790, MedGen C0035335, MeSH D012175, MONDO:0008380, OMIM 180200, HP:0009919. Disease mechanism: loss of function. Inheritance: Both sporadic and heritable forms are tested..

Submission:

Labcorp Genetics (formerly Invitae), Labcorp
Classification: Uncertain significance for Retinoblastoma. Last evaluated: 2024-07-03. Review status: criteria provided, single submitter. Criteria: Invitae Variant Classification Sherloc (09022015). Collection method: clinical testing. Allele origin: germline.
Comment: This sequence change replaces glutamic acid, which is acidic and polar, with glutamine, which is neutral and polar, at codon 580 of the RB1 protein (p.Glu580Gln). This variant is not present in population databases (gnomAD no frequency). This variant has not been reported in the literature in individuals affected with RB1-related conditions. Advanced modeling of protein sequence and biophysical properties (such as structural, functional, and spatial information, amino acid conservation, physicochemical variation, residue mobility, and thermodynamic stability) performed at Invitae indicates that this missense variant is not expected to disrupt RB1 protein function with a negative predictive value of 80%. In summary, the available evidence is currently insufficient to determine the role of this variant in disease. Therefore, it has been classified as a Variant of Uncertain Significance.

NM_000321.3(RB1):c.1738G>C (p.Glu580Gln)

Gene: RB1 (RB transcriptional corepressor 1; plus strand). Cytogenetic location: 13q14.2.
Variant type: single nucleotide variant.
Coding change: c.1738G>C on transcript NM_000321.3 (MANE Select); coding-DNA position 1738, G replaced by C.
Protein change: p.Glu580Gln; replaces glutamic acid 580 with glutamine.
Molecular consequence: missense variant.
Genome position (GRCh38, 1-based): chr13:48,453,035, G>C. VCF-style: chr13-48453035-G-C. GRCh37 (hg19) VCF-style: chr13-49027171-G-C.
Other names: c.1738G>C, p.Glu580Gln (NM_001407165.1); short protein forms E580Q.
Identifiers: ClinVar variation 3682870 (VCV003682870.2).